The following is an entry in ClinVar:

ClinVar aggregate classification (germline): Uncertain significance. Review status: criteria provided, multiple submitters, no conflicts (2 of 4 stars). 2 submissions from 2 submitters: Uncertain significance (2). Last evaluated 2025-12-22.

Conditions:
AARS1-related disorder. Also called: AARS1-related condition.
Charcot-Marie-Tooth disease type 2. Also called: Charcot-Marie-Tooth type 2. Identifiers: Orphanet 64746, MedGen C0270914, MONDO:0018993.

Allele frequency attached by ClinVar (database versions not stated): gnomAD exomes below 0.00001; ExAC 0.00001.
gnomAD v4.1: 1 of 1,614,192 alleles (0.000062%); highest among the groups gnomAD compares: Admixed American, 0.0017%; no homozygotes.

Submissions (2):

PreventionGenetics, part of Exact Sciences
Classification: Uncertain significance for AARS1-related condition. Last evaluated: 2025-12-22. Review status: criteria provided, single submitter. Criteria: ACMG Guidelines, 2015. Collection method: clinical testing. Allele origin: germline.
Comment: The AARS1 c.1613A>G variant is predicted to result in the amino acid substitution p.Gln538Arg. To our knowledge, this variant has not been reported in the literature. This variant is reported in 0.0029% of alleles in individuals of Latino descent in gnomAD. At this time, the clinical significance of this variant is uncertain due to the absence of conclusive functional and genetic evidence.

Labcorp Genetics (formerly Invitae), Labcorp
Classification: Uncertain significance for Charcot-Marie-Tooth disease type 2. Last evaluated: 2025-10-28. Review status: criteria provided, single submitter. Criteria: Invitae Variant Classification Sherloc (09022015). Collection method: clinical testing. Allele origin: germline.
Comment: This sequence change replaces glutamine, which is neutral and polar, with arginine, which is basic and polar, at codon 538 of the AARS protein (p.Gln538Arg). This variant is present in population databases (rs767936725, gnomAD 0.003%). This variant has not been reported in the literature in individuals affected with AARS-related conditions. ClinVar contains an entry for this variant (Variation ID: 2861900). Invitae Evidence Modeling of protein sequence and biophysical properties (such as structural, functional, and spatial information, amino acid conservation, physicochemical variation, residue mobility, and thermodynamic stability) indicates that this missense variant is not expected to disrupt AARS protein function with a negative predictive value of 80%. In summary, the available evidence is currently insufficient to determine the role of this variant in disease. Therefore, it has been classified as a Variant of Uncertain Significance.

NM_001605.3(AARS1):c.1613A>G (p.Gln538Arg)

Gene: AARS1 (alanyl-tRNA synthetase 1; minus strand). Cytogenetic location: 16q22.1.
Variant type: single nucleotide variant.
Coding change: c.1613A>G on transcript NM_001605.3 (MANE Select); coding-DNA position 1613, A replaced by G.
Protein change: p.Gln538Arg; replaces glutamine 538 with arginine.
Molecular consequence: missense variant.
Genome position (GRCh38, 1-based): chr16:70,262,404, T>C on the plus strand (A>G on the coding strand, the complement: AARS1 is on the minus strand). VCF-style: chr16-70262404-T-C. GRCh37 (hg19) VCF-style: chr16-70296307-T-C.
Other names: short protein forms Q538R.
Identifiers: ClinVar variation 2861900 (VCV002861900.4), dbSNP rs767936725, ClinGen allele CA8140747.